The following is an entry in ClinVar:

ClinVar aggregate classification (germline): Likely pathogenic (0 of 4 stars; one submission).

Conditions:
TNRC6B-related disorder. Also called: TNRC6B-related condition.

Submission:

PreventionGenetics, part of Exact Sciences
Classification: Likely pathogenic for TNRC6B-related condition. Last evaluated: 2024-04-24. Review status: no assertion criteria provided. Collection method: clinical testing. Allele origin: germline.
Comment: The TNRC6B c.4597delC variant is predicted to result in a frameshift and premature protein termination (p.Leu1533Serfs*42). To our knowledge, this variant has not been reported in the literature or in gnomAD, indicating this variant is rare. Frameshift variants in TNRC6B are expected to be pathogenic. This variant is interpreted as likely pathogenic.

NM_001162501.2(TNRC6B):c.4597del (p.Leu1533fs)

Gene: TNRC6B (trinucleotide repeat containing adaptor 6B; plus strand). Cytogenetic location: 22q13.1.
Variant type: Deletion.
Coding change: c.4597del on transcript NM_001162501.2 (MANE Select); coding-DNA position 4597, one base deleted (C; older notation c.4597delC).
Protein change: p.Leu1533fs; shifts the reading frame from leucine 1533.
Molecular consequence: frameshift variant.
Genome position (GRCh38, 1-based): chr22:40,312,916, C deleted; the last of 3 consecutive C bases (chr22:40,312,914-40,312,916); deleting any one gives the same sequence. VCF-style (leftmost placement, unchanged base first): chr22-40312913-TC-T. GRCh37 (hg19) VCF-style: chr22-40708917-TC-T.
Other names: c.2185del, p.Leu729fs (NM_001024843.2); c.4267del, p.Leu1423fs (NM_015088.3); short protein forms L1423fs, L1533fs, L729fs.
Identifiers: ClinVar variation 3351631 (VCV003351631.1).